The following is an entry in ClinVar:

NM_001987.5(ETV6):c.1249T>C (p.Phe417Leu)

Gene: ETV6 (ETS variant transcription factor 6; plus strand). Cytogenetic location: 12p13.2.
Variant type: single nucleotide variant.
Coding change: c.1249T>C on transcript NM_001987.5 (MANE Select); coding-DNA position 1249, T replaced by C.
Protein change: p.Phe417Leu; replaces phenylalanine 417 with leucine.
Molecular consequence: missense variant. On other transcripts: intron variant (1).
Genome position (GRCh38, 1-based): chr12:11,886,022, T>C. VCF-style: chr12-11886022-T-C. GRCh37 (hg19) VCF-style: chr12-12038956-T-C.
Other names: c.1246T>C, p.Phe416Leu (NM_001413913.1); c.1222T>C, p.Phe408Leu (NM_001413914.1); c.985T>C, p.Phe329Leu (NM_001413915.1); c.1010-4919T>C (NM_001413917.1); short protein forms F417L, F416L, F408L, F329L.
Identifiers: ClinVar variation 3705494 (VCV003705494.2).

ClinVar aggregate classification (germline): Uncertain significance (1 of 4 stars; one submission).

Submission:

Labcorp Genetics (formerly Invitae), Labcorp
Classification: Uncertain significance. Last evaluated: 2025-05-13. Review status: criteria provided, single submitter. Criteria: Invitae Variant Classification Sherloc (09022015). Collection method: clinical testing. Allele origin: germline.
Comment: This sequence change replaces phenylalanine, which is neutral and non-polar, with leucine, which is neutral and non-polar, at codon 417 of the ETV6 protein (p.Phe417Leu). This variant is not present in population databases (gnomAD no frequency). This variant has not been reported in the literature in individuals affected with ETV6-related conditions. ClinVar contains an entry for this variant (Variation ID: 3705494). Invitae Evidence Modeling of protein sequence and biophysical properties (such as structural, functional, and spatial information, amino acid conservation, physicochemical variation, residue mobility, and thermodynamic stability) indicates that this missense variant is expected to disrupt ETV6 protein function with a positive predictive value of 80%. In summary, the available evidence is currently insufficient to determine the role of this variant in disease. Therefore, it has been classified as a Variant of Uncertain Significance.